The following is an entry in ClinVar:

ClinVar aggregate classification (germline): Uncertain significance (1 of 4 stars; one submission).

Submission:

GeneDx
Classification: Uncertain significance. Last evaluated: 2023-02-12. Review status: criteria provided, single submitter. Criteria: GeneDx Variant Classification Process June 2021. Collection method: clinical testing. Allele origin: germline. Affected: yes.
Comment: Not observed at significant frequency in large population cohorts (gnomAD); In silico analysis supports that this missense variant has a deleterious effect on protein structure/function; Has not been previously published as pathogenic or benign to our knowledge

NM_001206927.2(DNAH8):c.12194T>A (p.Ile4065Asn)

Genes: DNAH8 (dynein axonemal heavy chain 8; plus strand), DNAH8-AS1 (DNAH8 antisense RNA 1; minus strand). Cytogenetic location: 6p21.2.
Variant type: single nucleotide variant.
Coding change: c.12194T>A on transcript NM_001206927.2 (MANE Select); coding-DNA position 12194, T replaced by A.
Protein change: p.Ile4065Asn; replaces isoleucine 4065 with asparagine.
Molecular consequence: missense variant.
Genome position (GRCh38, 1-based): chr6:38,949,516, T>A. VCF-style: chr6-38949516-T-A. GRCh37 (hg19) VCF-style: chr6-38917292-T-A.
Other names: c.11543T>A, p.Ile3848Asn (NM_001371.4); short protein forms I3848N, I4065N.
Identifiers: ClinVar variation 2575662 (VCV002575662.1), dbSNP rs2533687210, ClinGen allele CA363994558.